The following is an entry in ClinVar:

NM_020928.2(ZSWIM6):c.948_949del (p.Val317fs)

Gene: ZSWIM6 (zinc finger SWIM-type containing 6; plus strand). Cytogenetic location: 5q12.1.
Variant type: Deletion.
Coding change: c.948_949del on transcript NM_020928.2 (MANE Select); coding-DNA positions 948 to 949, 2 bases deleted (AG; older notation c.948_949delAG).
Protein change: p.Val317fs; shifts the reading frame from valine 317.
Molecular consequence: frameshift variant.
Genome position (GRCh38, 1-based): chr5:61,472,952-61,472,953, AG deleted. VCF-style (leftmost placement, unchanged base first): chr5-61472951-CAG-C. GRCh37 (hg19) VCF-style: chr5-60768778-CAG-C.
Other names: short protein forms V317fs.
Identifiers: ClinVar variation 5008724 (VCV005008724.1).

ClinVar aggregate classification (germline): Uncertain significance (1 of 4 stars; one submission).

Submission:

GeneDx
Classification: Uncertain significance. Last evaluated: 2026-03-11. Review status: criteria provided, single submitter. Criteria: GeneDx Variant Classification Process June 2021. Collection method: clinical testing. Allele origin: germline.
Comment: Not observed at significant frequency in large population cohorts (gnomAD); Frameshift variant predicted to result in protein truncation or nonsense mediated decay in a gene or region of a gene for which loss of function is not a well-established mechanism of disease; Has not been previously published as pathogenic or benign to our knowledge.